The following is an entry in ClinVar:

NM_007118.4(TRIO):c.6915T>G (p.Gly2305=)

Gene: TRIO (trio Rho guanine nucleotide exchange factor; plus strand). Cytogenetic location: 5p15.2.
Variant type: single nucleotide variant.
Coding change: c.6915T>G on transcript NM_007118.4 (MANE Select); coding-DNA position 6915, T replaced by G.
Protein change: p.Gly2305=; no amino-acid change (glycine 2305 retained).
Molecular consequence: synonymous variant. On other transcripts: non-coding transcript variant (1).
Genome position (GRCh38, 1-based): chr5:14,487,543, T>G. VCF-style: chr5-14487543-T-G. GRCh37 (hg19) VCF-style: chr5-14487652-T-G.
Identifiers: ClinVar variation 2578975 (VCV002578975.25), dbSNP rs878947009, ClinGen allele CA114003686.

ClinVar aggregate classification (germline): Likely benign (1 of 4 stars; one submission).

Allele frequency attached by ClinVar (database versions not stated): gnomAD exomes 0.00200.

Submission:

CeGaT Center for Human Genetics Tuebingen
Classification: Likely benign. Last evaluated: 2023-08-01. Review status: criteria provided, single submitter. Criteria: CeGaT Center For Human Genetics Tuebingen Variant Classification Criteria Version 2. Collection method: clinical testing. Allele origin: germline. Affected: yes. Observed: 2 variant alleles.
Comment: TRIO: BP4, BP7